The following is an entry in ClinVar:

NM_000268.4(NF2):c.174A>C (p.Glu58Asp)

Gene: NF2 (NF2, moesin-ezrin-radixin like (MERLIN) tumor suppressor; plus strand). Cytogenetic location: 22q12.2.
Variant type: single nucleotide variant.
Coding change: c.174A>C on transcript NM_000268.4 (MANE Select); coding-DNA position 174, A replaced by C.
Protein change: p.Glu58Asp; replaces glutamic acid 58 with aspartic acid.
Molecular consequence: missense variant. On other transcripts: non-coding transcript variant (1), intron variant (3).
Genome position (GRCh38, 1-based): chr22:29,636,810, A>C. VCF-style: chr22-29636810-A-C. GRCh37 (hg19) VCF-style: chr22-30032799-A-C.
Other names: c.60A>C, p.Glu20Asp (NM_001407053.1, NM_001407056.1); c.174A>C, p.Glu58Asp (NM_001407054.1, NM_001407057.1, NM_001407058.1 and 9 more transcripts); c.-467A>C (NM_001407065.1); c.-83A>C (NM_001407067.1); c.115-2280A>C (NM_181828.3); c.115-5392A>C (NM_181830.3, NM_181831.3); short protein forms E58D, E20D.
Identifiers: ClinVar variation 1779352 (VCV001779352.7), dbSNP rs2146853120, ClinGen allele CA411152534.

ClinVar aggregate classification (germline): Uncertain significance. Review status: criteria provided, multiple submitters, no conflicts (2 of 4 stars). 3 submissions from 3 submitters: Uncertain significance (3). Last evaluated 2025-08-11.

Conditions:
Hereditary cancer-predisposing syndrome. Also called: Hereditary Cancer Syndrome; Hereditary neoplastic syndrome; Neoplastic Syndromes, Hereditary; Tumor predisposition. Identifiers: Orphanet 140162, MedGen C0027672, MeSH D009386, MONDO:0015356.
Neurofibromatosis, type 2 (SWNV). Also called: BILATERAL ACOUSTIC NEUROFIBROMATOSIS; NF2-Related Schwannomatosis; SCHWANNOMATOSIS, VESTIBULAR. Identifiers: Orphanet 637, MedGen C0027832, MONDO:0007039, OMIM 101000. Disease mechanism: loss of function.

Allele frequency attached by ClinVar (database versions not stated): gnomAD exomes below 0.00001.
gnomAD v4.1: 1 of 1,614,162 alleles (0.000062%); highest among the groups gnomAD compares: Non-Finnish European, 0.000085%; no homozygotes.

Submissions (3):

Labcorp Genetics (formerly Invitae), Labcorp
Classification: Uncertain significance for Neurofibromatosis, type 2. Last evaluated: 2025-08-11. Review status: criteria provided, single submitter. Criteria: Invitae Variant Classification Sherloc (09022015). Collection method: clinical testing. Allele origin: germline.
Comment: This sequence change replaces glutamic acid, which is acidic and polar, with aspartic acid, which is acidic and polar, at codon 58 of the NF2 protein (p.Glu58Asp). This variant is not present in population databases (gnomAD no frequency). This variant has not been reported in the literature in individuals affected with NF2-related conditions. ClinVar contains an entry for this variant (Variation ID: 1779352). Invitae Evidence Modeling of protein sequence and biophysical properties (such as structural, functional, and spatial information, amino acid conservation, physicochemical variation, residue mobility, and thermodynamic stability) indicates that this missense variant is expected to disrupt NF2 protein function with a positive predictive value of 80%. In summary, the available evidence is currently insufficient to determine the role of this variant in disease. Therefore, it has been classified as a Variant of Uncertain Significance.

Ambry Genetics
Classification: Uncertain significance for Hereditary cancer-predisposing syndrome. Last evaluated: 2024-09-10. Review status: criteria provided, single submitter. Criteria: Ambry Variant Classification Scheme 2023. Collection method: clinical testing. Allele origin: germline.
Comment: The p.E58D variant (also known as c.174A>C), located in coding exon 2 of the NF2 gene, results from an A to C substitution at nucleotide position 174. The glutamic acid at codon 58 is replaced by aspartic acid, an amino acid with highly similar properties. This amino acid position is conserved. In addition, this alteration is predicted to be deleterious by in silico analysis. Since supporting evidence is limited at this time, the clinical significance of this alteration remains unclear.

Blueprint Genetics
Classification: Uncertain significance. Last evaluated: 2023-04-14. Review status: criteria provided, single submitter. Criteria: ACMG Guidelines, 2015. Collection method: clinical testing. Allele origin: germline.